The following is an entry in ClinVar:

NM_000492.4(CFTR):c.1501A>G (p.Thr501Ala)

Genes: CFTR (CF transmembrane conductance regulator; plus strand), CFTR-AS1 (CFTR antisense RNA 1; minus strand). Cytogenetic location: 7q31.2.
Variant type: single nucleotide variant.
Coding change: c.1501A>G on transcript NM_000492.4 (MANE Select); coding-DNA position 1501, A replaced by G.
Protein change: p.Thr501Ala; replaces threonine 501 with alanine.
Molecular consequence: missense variant.
Genome position (GRCh38, 1-based): chr7:117,559,572, A>G. VCF-style: chr7-117559572-A-G. GRCh37 (hg19) VCF-style: chr7-117199626-A-G.
Other names: short protein forms T501A.
Identifiers: ClinVar variation 53270 (VCV000053270.9), dbSNP rs397508221, ClinGen allele CA326510.
Genomic context (GRCh38, chr7:117,559,572, plus strand): 5'-AAAATTAAGCACAGTGGAAGAATTTCATTCTGTTCTCAGTTTTCCTGGATTATGCCTGGC[A>G]CCATTAAAGAAAATATCATCTTTGGTGTTTCCTATGATGAATATAGATACAGAAGCGTCA-3'
Protein context (NP_000483.3, residues 491-511): CSQFSWIMPG[Thr501Ala]IKENIIFGVS

ClinVar aggregate classification (germline): Pathogenic/Likely pathogenic. Review status: criteria provided, multiple submitters, no conflicts (2 of 4 stars). 7 submissions from 7 submitters: Pathogenic (2); Likely pathogenic (3). 2 of the submissions do not count toward it. Last evaluated 2026-02-16.

Conditions:
CFTR-related disorder (CFTR-RD). Also called: CFTR-related condition; CFTR-related disorders. Identifiers: MedGen C5924204, MONDO:7770004.
Cystic fibrosis (CF). Also called: MUCOVISCIDOSIS. Identifiers: Orphanet 586, MedGen C0010674, MONDO:0009061, OMIM 219700. Disease mechanism: loss of function.
Bronchiectasis with or without elevated sweat chloride 1 (BESC1). Also called: Cystic Fibrosis-Like Syndrome. Identifiers: Orphanet 60033, MedGen C2749757, MONDO:0008887, OMIM 211400.
Congenital bilateral aplasia of vas deferens from CFTR mutation (CBAVD). Identifiers: Orphanet 48, MedGen C0403814, MONDO:0010178, OMIM 277180. Disease mechanism: loss of function.
Hereditary pancreatitis (PCTT). Also called: PRSS1-Related Hereditary Pancreatitis; Hereditary chronic pancreatitis. Identifiers: Orphanet 676, MedGen C0238339, MONDO:0008185, OMIM 167800.

Submissions (7):

Women's Health and Genetics/Laboratory Corporation of America, LabCorp
Classification: Likely pathogenic for Cystic fibrosis. Last evaluated: 2026-02-16. Review status: criteria provided, single submitter. Criteria: LabCorp Variant Classification Summary - May 2015. Collection method: clinical testing. Allele origin: germline.
Comment: Variant summary: CFTR c.1501A>G (p.Thr501Ala) results in a non-conservative amino acid change located in the ABC transporter-like, ATP-binding domain (IPR003439) of the encoded protein sequence. Algorithms developed to predict the effect of missense changes on protein structure and function all suggest that this variant is likely to be disruptive. The variant was absent in 251300 control chromosomes. c.1501A>G has been reporte in at least one homozygous individual affected with Cystic Fibrosis (CF), and in at least two CF cohorts without additional genotype information (example: Claustres, 2000, Schrijver_2005, Petrova_2020). Additionally, it has been found in the heterozygous state in two individuals with CBAVD (example: Lu_2014). These data indicate that the variant may be associated with disease. It has been reported that an in vitro study of this variant revealed no CFTR mature protein, however this finding is unpublished and therefore the data is not available for review (Claustres_2017). At least one other publication reports experimental evidence evaluating an impact on protein function. The most pronounced variant effect resulted in approximately 3% of normal chloride channel conductance relative to wild type (e.g., Bihler_2024). The following publications have been ascertained in the context of this evaluation (PMID: 28603918, 38388235, 10923036, 24559724, 32429104, 15858154). ClinVar contains an entry for this variant (Variation ID: 53270). Based on the evidence outlined above, the variant was classified as likely pathogenic.

Natera, Inc.
Classification: Likely pathogenic for CFTR-related disorders. Last evaluated: 2026-01-20. Review status: criteria provided, single submitter. Criteria: Natera Variant Classification Schema (03/2026). Collection method: clinical testing. Allele origin: germline.
Comment: The c.1501A>G variant in CFTR is a missense variant predicted to cause substitution of threonine to alanine at amino acid 501. This variant is rare in the general population with a frequency below the threshold expected for the associated phenotype(s). This variant has been observed in one or more individuals affected with the associated recessive disease, as either homozygous or compound heterozygous with a second variant (PMID: 15858154). Functional studies show that this variant may disrupt protein function (PMID: 38388235). Computational prediction algorithms indicate this variant is likely to affect gene or protein function. Given the available evidence, this variant is classified as Likely Pathogenic.

Labcorp Genetics (formerly Invitae), Labcorp
Classification: Pathogenic for Cystic fibrosis. Last evaluated: 2025-11-24. Review status: criteria provided, single submitter. Criteria: Invitae Variant Classification Sherloc (09022015). Collection method: clinical testing. Allele origin: germline.
Comment: This sequence change replaces threonine, which is neutral and polar, with alanine, which is neutral and non-polar, at codon 501 of the CFTR protein (p.Thr501Ala). This variant is not present in population databases (gnomAD no frequency). This missense change has been observed in individual(s) with CFTR-related conditions (PMID: 10923036, 15858154, 24559724, 28603918, 32429104). ClinVar contains an entry for this variant (Variation ID: 53270). Invitae Evidence Modeling of protein sequence and biophysical properties (such as structural, functional, and spatial information, amino acid conservation, physicochemical variation, residue mobility, and thermodynamic stability) indicates that this missense variant is expected to disrupt CFTR protein function with a positive predictive value of 80%. Experimental studies have shown that this missense change affects CFTR function (PMID: 38388235). This variant disrupts the p.Thr501 amino acid residue in CFTR. Other variant(s) that disrupt this residue have been determined to be pathogenic (internal data). This suggests that this residue is clinically significant, and that variants that disrupt this residue are likely to be disease-causing. For these reasons, this variant has been classified as Pathogenic.

Fulgent Genetics
Classification: Likely pathogenic for Hereditary pancreatitis; Bronchiectasis with or without elevated sweat chloride 1; Cystic fibrosis; Congenital bilateral aplasia of vas deferens from CFTR mutation. Last evaluated: 2024-04-17. Review status: criteria provided, single submitter. Criteria: ACMG Guidelines, 2015. Collection method: clinical testing. Allele origin: germline.

CFTR-France
Classification: Pathogenic for cystic fibrosis; CFTR-related disorders. Last evaluated: 2021-09-30. Review status: criteria provided, single submitter. Criteria: Claustres M et al. (Hum Mutat 2017). Collection method: curation. Allele origin: germline. Affected: yes.
Comment: the variant causes a phenotype but regarding our data, we can't formally attribute it to CF, CFTR-RD or both

Counsyl
Classification: Uncertain significance for Cystic fibrosis. Last evaluated: 2018-04-17. Review status: no assertion criteria provided. Collection method: clinical testing. Allele origin: unknown. Not counted in ClinVar's aggregate classification.

ClinVar Staff, National Center for Biotechnology Information (NCBI)
No classification provided. Condition: CFTR-related disorders. Review status: no classification provided. Collection method: literature only. Allele origin: germline. Affected: yes. Not counted in ClinVar's aggregate classification.

Literature cited by the submitters: PubMed 10923036 (cited by 3 submitters); PubMed 15858154 (cited by 5 submitters); PubMed 28603918 (cited by Women's Health and Genetics/Laboratory Corporation of America, LabCorp and Labcorp Genetics (formerly Invitae), Labcorp); PubMed 32429104 (cited by Women's Health and Genetics/Laboratory Corporation of America, LabCorp and Labcorp Genetics (formerly Invitae), Labcorp); PubMed 24559724 (cited by Women's Health and Genetics/Laboratory Corporation of America, LabCorp and Labcorp Genetics (formerly Invitae), Labcorp); PubMed 38388235 (cited by 3 submitters).